The following is an entry in ClinVar:

NM_020937.4(FANCM):c.3563C>G (p.Ser1188Cys)

Gene: FANCM (FA complementation group M; plus strand). Cytogenetic location: 14q21.2.
Variant type: single nucleotide variant.
Coding change: c.3563C>G on transcript NM_020937.4 (MANE Select); coding-DNA position 3563, C replaced by G.
Protein change: p.Ser1188Cys; replaces serine 1188 with cysteine.
Molecular consequence: missense variant.
Genome position (GRCh38, 1-based): chr14:45,176,317, C>G. VCF-style: chr14-45176317-C-G. GRCh37 (hg19) VCF-style: chr14-45645520-C-G.
Other names: c.3485C>G, p.Ser1162Cys (NM_001308133.2); short protein forms S1162C, S1188C.
Identifiers: ClinVar variation 3848662 (VCV003848662.1).

ClinVar aggregate classification (germline): Uncertain significance (1 of 4 stars; one submission).

Conditions:
Inborn genetic diseases. Identifiers: MedGen C0950123, MeSH D030342.

gnomAD v4.1: 13 of 1,613,826 alleles (0.00081%); highest among the groups gnomAD compares: African/African-American, 0.0013%; no homozygotes.

Submission:

Ambry Genetics
Classification: Uncertain significance for Inborn genetic diseases. Last evaluated: 2025-01-27. Review status: criteria provided, single submitter. Criteria: Ambry Variant Classification Scheme 2023. Collection method: clinical testing. Allele origin: germline.
Comment: The p.S1188C variant (also known as c.3563C>G), located in coding exon 14 of the FANCM gene, results from a C to G substitution at nucleotide position 3563. The serine at codon 1188 is replaced by cysteine, an amino acid with dissimilar properties. This amino acid position is conserved. In addition, this alteration is predicted to be tolerated by in silico analysis. Based on the available evidence, the clinical significance of this variant remains unclear.